The following is an entry in ClinVar:

NM_004006.3(DMD):c.4071+1G>A

Gene: DMD (dystrophin; minus strand). Cytogenetic location: Xp21.1.
Variant type: single nucleotide variant.
Coding change: c.4071+1G>A on transcript NM_004006.3 (MANE Select); the canonical splice donor site of the intron after coding-DNA position 4071, G replaced by A.
Molecular consequence: splice donor variant.
Genome position (GRCh38, 1-based): chrX:32,438,240, C>T on the plus strand (G>A on the coding strand, the complement: DMD is on the minus strand). VCF-style: chrX-32438240-C-T. GRCh37 (hg19) VCF-style: chrX-32456357-C-T.
Other names: c.4047+1G>A (NM_000109.4); c.4059+1G>A (NM_004009.3); c.3702+1G>A (NM_004010.3).
Identifiers: ClinVar variation 409917 (VCV000409917.16), dbSNP rs1060502643, ClinGen allele CA16616496.

ClinVar aggregate classification (germline): Pathogenic. Review status: criteria provided, multiple submitters, no conflicts (2 of 4 stars). 3 submissions from 3 submitters: Pathogenic (3). Last evaluated 2024-10-17.

Conditions:
Duchenne muscular dystrophy (DMD). Also called: MUSCULAR DYSTROPHY, PSEUDOHYPERTROPHIC PROGRESSIVE, DUCHENNE TYPE; Duchenne Muscular Dystrophy (DMD). Identifiers: Orphanet 98896, MedGen C0013264, MONDO:0010679, OMIM 310200.

Submissions (3):

Revvity Omics, Revvity
Classification: Pathogenic. Last evaluated: 2024-10-17. Review status: criteria provided, single submitter. Criteria: ACMG Guidelines, 2015. Collection method: clinical testing. Allele origin: germline.

Eurofins Ntd Llc (ga)
Classification: Pathogenic. Last evaluated: 2017-01-06. Review status: criteria provided, single submitter. Criteria: EGL Classification Definitions 2015. Collection method: clinical testing. Allele origin: germline. Observed: 1 variant allele, 1 hemizygote.

Labcorp Genetics (formerly Invitae), Labcorp
Classification: Pathogenic for Duchenne muscular dystrophy. Last evaluated: 2016-12-20. Review status: criteria provided, single submitter. Criteria: Invitae Variant Classification Sherloc (09022015). Collection method: clinical testing. Allele origin: germline.
Comment: This sequence change affects a donor splice site in intron 29 of the DMD gene. It is expected to disrupt RNA splicing and likely results in an absent or disrupted protein product. Loss-of-function variants in DMD are known to be pathogenic. This particular variant has been reported in the literature in an individual affected with BMD or DMD, phenotype not specified (PMID: 19937601). This variant is also present in the Leiden Duchenne muscular dystrophy mutation database, where it has been reported in multiple individuals affected with BMD (PMID: 16770791). For these reasons, this variant has been classified as Pathogenic.

Literature cited by the submitters: PubMed 19937601 (cited by Labcorp Genetics (formerly Invitae), Labcorp); PubMed 16770791 (cited by Labcorp Genetics (formerly Invitae), Labcorp).